The following is an entry in ClinVar:

ClinVar aggregate classification (germline): Uncertain significance (1 of 4 stars; one submission).

Conditions:
Inborn genetic diseases. Identifiers: MedGen C0950123, MeSH D030342.

gnomAD v4.1: 22 of 1,612,582 alleles (0.0014%); highest among the groups gnomAD compares: Non-Finnish European, 0.0016%; no homozygotes.

Submission:

Ambry Genetics
Classification: Uncertain significance for Inborn genetic diseases. Last evaluated: 2025-01-08. Review status: criteria provided, single submitter. Criteria: Ambry Variant Classification Scheme 2023. Collection method: clinical testing. Allele origin: germline.
Comment: The p.M322V variant (also known as c.964A>G), located in coding exon 7 of the KDM1A gene, results from an A to G substitution at nucleotide position 964. The methionine at codon 322 is replaced by valine, an amino acid with highly similar properties. This amino acid position is conserved. In addition, this alteration is predicted to be deleterious by in silico analysis. Based on the available evidence, the clinical significance of this variant remains unclear.

NM_001009999.3(KDM1A):c.964A>G (p.Met322Val)

Gene: KDM1A (lysine demethylase 1A; plus strand). Cytogenetic location: 1p36.12.
Variant type: single nucleotide variant.
Coding change: c.964A>G on transcript NM_001009999.3 (MANE Select); coding-DNA position 964, A replaced by G.
Protein change: p.Met322Val; replaces methionine 322 with valine.
Molecular consequence: missense variant.
Genome position (GRCh38, 1-based): chr1:23,056,012, A>G. VCF-style: chr1-23056012-A-G. GRCh37 (hg19) VCF-style: chr1-23382505-A-G.
Other names: c.904A>G, p.Met302Val (NM_001363654.2, NM_001410763.1, NM_015013.4); c.964A>G, p.Met322Val (NM_001410762.1); short protein forms M302V, M322V.
Identifiers: ClinVar variation 3863257 (VCV003863257.1).